The following is an entry in ClinVar:

NM_021160.3(ABHD16A):c.551G>A (p.Arg184His)

Gene: ABHD16A (abhydrolase domain containing 16A, phospholipase; minus strand). Cytogenetic location: 6p21.33.
Variant type: single nucleotide variant.
Coding change: c.551G>A on transcript NM_021160.3 (MANE Select); coding-DNA position 551, G replaced by A.
Protein change: p.Arg184His; replaces arginine 184 with histidine.
Molecular consequence: missense variant. On other transcripts: non-coding transcript variant (2).
Genome position (GRCh38, 1-based): chr6:31,693,102, C>T on the plus strand (G>A on the coding strand, the complement: ABHD16A is on the minus strand). VCF-style: chr6-31693102-C-T. GRCh37 (hg19) VCF-style: chr6-31660879-C-T.
Other names: c.452G>A, p.Arg151His (NM_001177515.2); short protein forms R151H, R184H.
Identifiers: ClinVar variation 5038747 (VCV005038747.1).

ClinVar aggregate classification (germline): Likely benign (1 of 4 stars; one submission).

gnomAD v4.1: 2,314 of 1,614,100 alleles (0.14%); highest among the groups gnomAD compares: Non-Finnish European, 0.14%; 5 homozygotes.

Submission:

CeGaT Center for Human Genetics Tuebingen
Classification: Likely benign. Last evaluated: 2026-08-01. Review status: criteria provided, single submitter. Criteria: CeGaT Center For Human Genetics Tuebingen Variant Classification Criteria Version 2. Collection method: clinical testing. Allele origin: germline. Affected: yes. Observed: 1 variant allele.
Comment: ABHD16A: BS1